The following is an entry in ClinVar:

ClinVar aggregate classification (germline): Pathogenic/Likely pathogenic. Review status: criteria provided, multiple submitters, no conflicts (2 of 4 stars). 4 submissions from 4 submitters: Pathogenic (1); Likely pathogenic (2). 1 of the submissions does not count toward it. Last evaluated 2024-05-24.

Conditions:
Cobalamin C disease. Also called: Cobalamin-C methylmalonic acidemia and homocystinuria; Methylmalonic acidemia and homocystinuria cblC type; Methylmalonic aciduria and homocystinuria, Vitamin B12-responsive; Vitamin B12 metabolic defect with combined deficiency of methylmalonyl-CoA mutase and homocysteine:methyltetrahydrofolate methyltransferase; methylmalonic aciduria and homocystinuria type cblC; Methylmalonic aciduria with homocystinuria cblC type. Identifiers: Orphanet 26, Orphanet 79282, MedGen C1848561, MONDO:0010184, OMIM 277400.

Allele frequency attached by ClinVar (database versions not stated): gnomAD exomes below 0.00001.

Submissions (4):

Natera, Inc.
Classification: Likely pathogenic for Methylmalonic aciduria and homocystinuria cblC type. Last evaluated: 2024-05-24. Review status: criteria provided, single submitter. Criteria: Natera Variant Classification Schema (03/2026). Collection method: clinical testing. Allele origin: germline.
Comment: The c.2T>G variant in MMACHC is predicted to result in start loss due to disruption of the initiator methionine. This variant is expected to result in nonsense mediated decay, truncation, or a dysfunctional protein product. This variant is rare in the general population with a frequency below the threshold expected for the associated phenotype(s). Given the available evidence, this variant is classified as Likely Pathogenic.

Genome-Nilou Lab
Classification: Likely pathogenic for Cobalamin C disease. Last evaluated: 2023-04-11. Review status: criteria provided, single submitter. Criteria: ACMG Guidelines, 2015. Collection method: clinical testing. Allele origin: germline. Affected: no.

Labcorp Genetics (formerly Invitae), Labcorp
Classification: Pathogenic for Cobalamin C disease. Last evaluated: 2023-04-06. Review status: criteria provided, single submitter. Criteria: Invitae Variant Classification Sherloc (09022015). Collection method: clinical testing. Allele origin: germline.
Comment: This sequence change affects the initiator methionine of the MMACHC mRNA. The next in-frame methionine is located at codon 58. This variant is not present in population databases (gnomAD no frequency). Disruption of the initiator codon has been observed in individuals with methylmalonic aciduria and homocystinuria (PMID: 16311595, 17768669, 19760748, 28693988). ClinVar contains an entry for this variant (Variation ID: 557424). For these reasons, this variant has been classified as Pathogenic.

Counsyl
Classification: Likely pathogenic for Cobalamin C disease. Last evaluated: 2018-03-24. Review status: no assertion criteria provided. Collection method: clinical testing. Allele origin: unknown. Not counted in ClinVar's aggregate classification.

Literature cited by the submitters: PubMed 16311595 (cited by Labcorp Genetics (formerly Invitae), Labcorp); PubMed 17768669 (cited by Labcorp Genetics (formerly Invitae), Labcorp); PubMed 19760748 (cited by Labcorp Genetics (formerly Invitae), Labcorp); PubMed 28693988 (cited by Labcorp Genetics (formerly Invitae), Labcorp).

NM_015506.3(MMACHC):c.2T>G (p.Met1Arg)

Gene: MMACHC (metabolism of cobalamin associated C; plus strand). Cytogenetic location: 1p34.1.
Variant type: single nucleotide variant.
Coding change: c.2T>G on transcript NM_015506.3 (MANE Select); coding-DNA position 2, T replaced by G.
Protein change: p.Met1Arg; changes the start codon (methionine 1).
Molecular consequence: missense variant, initiator codon variant. On other transcripts: 5 prime UTR variant (1).
Genome position (GRCh38, 1-based): chr1:45,500,334, T>G. VCF-style: chr1-45500334-T-G. GRCh37 (hg19) VCF-style: chr1-45966006-T-G.
Other names: c.-221T>G (NM_001330540.2); short protein forms M1R.
Identifiers: ClinVar variation 557424 (VCV000557424.11), dbSNP rs574983400, ClinGen allele CA340128247.